The following is an entry in ClinVar:

NM_004304.5(ALK):c.2851G>T (p.Asp951Tyr)

Gene: ALK (ALK receptor tyrosine kinase; minus strand). Cytogenetic location: 2p23.2.
Variant type: single nucleotide variant.
Coding change: c.2851G>T on transcript NM_004304.5 (MANE Select); coding-DNA position 2851, G replaced by T.
Protein change: p.Asp951Tyr; replaces aspartic acid 951 with tyrosine.
Molecular consequence: missense variant.
Genome position (GRCh38, 1-based): chr2:29,227,637, C>A on the plus strand (G>T on the coding strand, the complement: ALK is on the minus strand). VCF-style: chr2-29227637-C-A. GRCh37 (hg19) VCF-style: chr2-29450503-C-A.
Other names: c.2851G>T (NM_004304.4); short protein forms D951Y.
Identifiers: ClinVar variation 3241812 (VCV003241812.2), dbSNP rs2465973610.

ClinVar aggregate classification (germline): Uncertain significance. Review status: criteria provided, multiple submitters, no conflicts (2 of 4 stars). 2 submissions from 2 submitters: Uncertain significance (2). Last evaluated 2024-06-26.

Conditions:
Hereditary cancer-predisposing syndrome. Also called: Hereditary Cancer Syndrome; Tumor predisposition; Neoplastic Syndromes, Hereditary; Hereditary neoplastic syndrome. Identifiers: Orphanet 140162, MedGen C0027672, MeSH D009386, MONDO:0015356.
Neuroblastoma, susceptibility to, 3. Also called: ALK-Related Neuroblastic Tumor Susceptibility. Identifiers: Orphanet 635, MedGen C2751681, MONDO:0013083, OMIM 613014.

Submissions (2):

Ambry Genetics
Classification: Uncertain significance for Hereditary cancer-predisposing syndrome. Last evaluated: 2024-06-26. Review status: criteria provided, single submitter. Criteria: Ambry Variant Classification Scheme 2023. Collection method: clinical testing. Allele origin: germline.
Comment: The p.D951Y variant (also known as c.2851G>T), located in coding exon 17 of the ALK gene, results from a G to T substitution at nucleotide position 2851. The aspartic acid at codon 951 is replaced by tyrosine, an amino acid with highly dissimilar properties. This amino acid position is conserved. In addition, this alteration is predicted to be deleterious by in silico analysis. Based on the available evidence, the clinical significance of this variant remains unclear.

Baylor Genetics
Classification: Uncertain significance for Neuroblastoma, susceptibility to, 3. Last evaluated: 2023-11-09. Review status: criteria provided, single submitter. Criteria: ACMG Guidelines, 2015. Collection method: clinical testing. Allele origin: unknown.